The following is an entry in ClinVar:

NM_032043.3(BRIP1):c.931T>C (p.Tyr311His)

Gene: BRIP1 (BRCA1 interacting DNA helicase 1; minus strand). Cytogenetic location: 17q23.2.
Variant type: single nucleotide variant.
Coding change: c.931T>C on transcript NM_032043.3 (MANE Select); coding-DNA position 931, T replaced by C.
Protein change: p.Tyr311His; replaces tyrosine 311 with histidine.
Molecular consequence: missense variant.
Genome position (GRCh38, 1-based): chr17:61,801,462, A>G on the plus strand (T>C on the coding strand, the complement: BRIP1 is on the minus strand). VCF-style: chr17-61801462-A-G. GRCh37 (hg19) VCF-style: chr17-59878823-A-G.
Other names: short protein forms Y311H.
Identifiers: ClinVar variation 645160 (VCV000645160.17), dbSNP rs1603343412, ClinGen allele CA400484302.

ClinVar aggregate classification (germline): Uncertain significance. Review status: criteria provided, multiple submitters, no conflicts (2 of 4 stars). 3 submissions from 3 submitters: Uncertain significance (3). Last evaluated 2026-01-19.

Conditions:
Hereditary cancer-predisposing syndrome. Also called: Neoplastic Syndromes, Hereditary; Hereditary Cancer Syndrome; Hereditary neoplastic syndrome; Tumor predisposition. Identifiers: Orphanet 140162, MedGen C0027672, MeSH D009386, MONDO:0015356.
Familial cancer of breast. Also called: hereditary breast carcinoma; BREAST CANCER, FAMILIAL; Hereditary breast cancer. Identifiers: Orphanet 227535, MedGen C0346153, MONDO:0016419, OMIM 114480. Disease mechanism: loss of function.
Fanconi anemia complementation group J. Also called: BRIP1-Related Fanconi Anemia. Identifiers: Orphanet 84, MedGen C1836860, MONDO:0012187, OMIM 609054.

Allele frequency attached by ClinVar (database versions not stated): gnomAD exomes below 0.00001.
gnomAD v4.1: 1 of 1,611,254 alleles (0.000062%); highest among the groups gnomAD compares: Non-Finnish European, 0.000085%; no homozygotes.

Submissions (3):

Labcorp Genetics (formerly Invitae), Labcorp
Classification: Uncertain significance for Familial cancer of breast; Fanconi anemia complementation group J. Last evaluated: 2026-01-19. Review status: criteria provided, single submitter. Criteria: Invitae Variant Classification Sherloc (09022015). Collection method: clinical testing. Allele origin: germline.
Comment: This sequence change replaces tyrosine, which is neutral and polar, with histidine, which is basic and polar, at codon 311 of the BRIP1 protein (p.Tyr311His). This variant is not present in population databases (gnomAD no frequency). This missense change has been observed in individual(s) with breast cancer (PMID: 26921362). ClinVar contains an entry for this variant (Variation ID: 645160). Invitae Evidence Modeling of protein sequence and biophysical properties (such as structural, functional, and spatial information, amino acid conservation, physicochemical variation, residue mobility, and thermodynamic stability) indicates that this missense variant is not expected to disrupt BRIP1 protein function with a negative predictive value of 95%. In summary, the available evidence is currently insufficient to determine the role of this variant in disease. Therefore, it has been classified as a Variant of Uncertain Significance.

Ambry Genetics
Classification: Uncertain significance for Hereditary cancer-predisposing syndrome. Last evaluated: 2024-12-29. Review status: criteria provided, single submitter. Criteria: Ambry Variant Classification Scheme 2023. Collection method: clinical testing. Allele origin: germline.
Comment: The p.Y311H variant (also known as c.931T>C), located in coding exon 7 of the BRIP1 gene, results from a T to C substitution at nucleotide position 931. The tyrosine at codon 311 is replaced by histidine, an amino acid with similar properties. This alteration was identified in 1/13213 cases of breast cancer and 0/5242 controls from the United Kingdom (Easton DF et al. J. Med. Genet., 2016 05;53:298-309). This amino acid position is not well conserved in available vertebrate species. In addition, this alteration is predicted to be tolerated by in silico analysis. Since supporting evidence is limited at this time, the clinical significance of this alteration remains unclear.

Color Diagnostics, LLC DBA Color Health
Classification: Uncertain significance for Hereditary cancer-predisposing syndrome. Last evaluated: 2023-05-12. Review status: criteria provided, single submitter. Criteria: ACMG Guidelines, 2015. Collection method: clinical testing. Allele origin: germline.
Comment: This missense variant replaces tyrosine with histidine at codon 311 of the BRIP1 protein. Computational prediction suggests that this variant may not impact protein structure and function (internally defined REVEL score threshold <= 0.5, PMID: 27666373). To our knowledge, functional studies have not been reported for this variant. This variant has been reported in 1/13213 heterozygous individuals affected with breast cancer and was absent in 5242 controls (PMID: 26921362). This variant has not been identified in the general population by the Genome Aggregation Database (gnomAD). The available evidence is insufficient to determine the role of this variant in disease conclusively. Therefore, this variant is classified as a Variant of Uncertain Significance.

Literature cited by the submitters: PubMed 26921362 (cited by 3 submitters).